The following is an entry in ClinVar:

NM_000260.4(MYO7A):c.3502C>T (p.Arg1168Trp)

Gene: MYO7A (myosin VIIA; plus strand). Cytogenetic location: 11q13.5.
Variant type: single nucleotide variant.
Coding change: c.3502C>T on transcript NM_000260.4 (MANE Select); coding-DNA position 3502, C replaced by T.
Protein change: p.Arg1168Trp; replaces arginine 1168 with tryptophan.
Molecular consequence: missense variant.
Genome position (GRCh38, 1-based): chr11:77,184,714, C>T. VCF-style: chr11-77184714-C-T. GRCh37 (hg19) VCF-style: chr11-76895759-C-T.
Other names: c.3502C>T, p.Arg1168Trp (NM_001127180.2); c.3469C>T, p.Arg1157Trp (NM_001369365.1); short protein forms R1168W, R1157W.
Identifiers: ClinVar variation 553405 (VCV000553405.41), dbSNP rs554073390, ClinGen allele CA6198073.
Genomic context (GRCh38, chr11:77,184,714, plus strand): 5'-ACCTCCAACCTGGAGAAGCTGCACTTCATCATCGGCAATGGCATCCTGCGGCCAGCACTC[C>T]GGTCAGTGCCGGGAGGCGGGGACACCAGGGCCTGAAAGTCTTTTGGTGGCTGAGTGGTGC-3'
Protein context (NP_000251.3, residues 1158-1178): IGNGILRPAL[Arg1168Trp]DEIYCQISKQ

ClinVar aggregate classification (germline): Conflicting classifications of pathogenicity. Review status: criteria provided, conflicting classifications (1 of 4 stars). 11 submissions from 11 submitters: Pathogenic (2); Likely pathogenic (4); Uncertain significance (3). 2 of the submissions do not count toward it. Last evaluated 2026-03-24.

Conditions:
Autosomal dominant nonsyndromic hearing loss 11. Identifiers: Orphanet 90635, MedGen C1832475, MONDO:0011032, OMIM 601317.
Usher syndrome type 1 (USH1). Also called: RETINITIS PIGMENTOSA AND CONGENITAL DEAFNESS. Identifiers: Orphanet 231169, Orphanet 886, MedGen C1568247, MONDO:0010168, OMIM 276900.
Autosomal recessive nonsyndromic hearing loss 2. Also called: DEAFNESS, AUTOSOMAL RECESSIVE 2; NEUROSENSORY NONSYNDROMIC RECESSIVE DEAFNESS 2. Identifiers: Orphanet 90636, MedGen C1838701, MONDO:0010807, OMIM 600060.
Usher syndrome type 1B (USH1B). Also called: Usher syndrome type IB. Identifiers: MedGen C1848638, MONDO:0700087.
Hearing loss, autosomal recessive. Also called: Deafness, autosomal recessive; Rare autosomal recessive non-syndromic sensorineural deafness type DFNB; Autosomal recessive nonsyndromic deafness; Nonsyndromic Hearing Loss, Recessive. Identifiers: Orphanet 90635, Orphanet 90636, MedGen C1846647, MONDO:0019588, OMIM 607197.
MYO7A-related disorder. Also called: MYO7A-related disorders.

Allele frequency attached by ClinVar (database versions not stated): gnomAD 0.00002 and 0.00005; gnomAD exomes 0.00005; TOPMed 0.00006; ExAC 0.00011; 1000 Genomes Project 0.00020.

Submissions (11):

Myriad Genetics, Inc.
Classification: Likely pathogenic for Usher syndrome type 1. Last evaluated: 2026-03-24. Review status: criteria provided, single submitter. Criteria: Myriad Autosomal Dominant, Autosomal Recessive and X-Linked Classification Criteria (2023). Collection method: clinical testing. Allele origin: unknown.
Comment: NM_000260.3(MYO7A):c.3502C>T(R1168W) is a missense variant classified as likely pathogenic in the context of MYO7A-related disorders. R1168W has been observed in cases with relevant disease (PMID: 30303587, 29196752, 33187236, 21436283). Relevant functional assessments of this variant are not available in the literature. R1168W has been observed in referenced population frequency databases. In summary, NM_000260.3(MYO7A):c.3502C>T(R1168W) is a missense variant that has been observed more frequently in cases with the relevant disease than in healthy populations. Please note: this variant was assessed in the context of healthy population screening.

Natera, Inc.
Classification: Pathogenic for Usher syndrome type 1B. Last evaluated: 2025-12-03. Review status: criteria provided, single submitter. Criteria: Natera Variant Classification Schema (03/2026). Collection method: clinical testing. Allele origin: germline.
Comment: The c.3502C>T variant in MYO7A is a missense variant predicted to cause substitution of arginine to tryptophan at amino acid 1168. This variant is rare in the general population with a frequency below the threshold expected for the associated phenotype(s). This variant has been observed in one or more individuals affected with the associated recessive disease, as either homozygous or compound heterozygous with a second variant (PMID: 33187236, 30303587, 29196752). Additionally, this variant has been observed to segregate in affected family members (PMID: 33187236, 30303587). A different variant at the same position has been determined to be Pathogenic or Likely Pathogenic. Computational prediction algorithms indicate this variant is likely to affect gene or protein function. Given the available evidence, this variant is classified as Pathogenic.

First Genomix Gene Laboratory, Genetic Diagnostics Department
Classification: Likely pathogenic for Autosomal recessive nonsyndromic hearing loss 2; Usher syndrome type 1. Last evaluated: 2025-08-04. Review status: criteria provided, single submitter. Criteria: ACMG Guidelines, 2015. Collection method: clinical testing. Allele origin: germline. Inheritance: Autosomal recessive inheritance. Affected: no. Observed: 1 variant allele.

Labcorp Genetics (formerly Invitae), Labcorp
Classification: Pathogenic. Last evaluated: 2025-01-13. Review status: criteria provided, single submitter. Criteria: Invitae Variant Classification Sherloc (09022015). Collection method: clinical testing. Allele origin: germline.
Comment: This sequence change replaces arginine, which is basic and polar, with tryptophan, which is neutral and slightly polar, at codon 1168 of the MYO7A protein (p.Arg1168Trp). The frequency data for this variant in the population databases is considered unreliable, as metrics indicate poor data quality at this position in the gnomAD database. This missense change has been observed in individual(s) with clinical features of Usher syndrome and autosomal recessive deafness (PMID: 20052763, 21436283, 30303587, 33187236; internal data). In at least one individual the data is consistent with being in trans (on the opposite chromosome) from a pathogenic variant. It has also been observed to segregate with disease in related individuals. ClinVar contains an entry for this variant (Variation ID: 553405). An algorithm developed to predict the effect of missense changes on protein structure and function (PolyPhen-2) suggests that this variant is likely to be disruptive. For these reasons, this variant has been classified as Pathogenic.

Blueprint Genetics
Classification: Likely pathogenic for MYO7A-related disorders. Last evaluated: 2024-10-28. Review status: criteria provided, single submitter. Criteria: ACMG Guidelines, 2015. Collection method: clinical testing. Allele origin: germline. Affected: yes. Observed: 5 variant alleles.

Fulgent Genetics
Classification: Likely pathogenic for Usher syndrome type 1; Autosomal recessive nonsyndromic hearing loss 2; Autosomal dominant nonsyndromic hearing loss 11. Last evaluated: 2024-06-17. Review status: criteria provided, single submitter. Criteria: ACMG Guidelines, 2015. Collection method: clinical testing. Allele origin: germline.

PreventionGenetics, part of Exact Sciences
Classification: Uncertain significance for MYO7A-related condition. Last evaluated: 2023-08-28. Review status: criteria provided, single submitter. Criteria: ACMG Guidelines, 2015. Collection method: clinical testing. Allele origin: germline.
Comment: The MYO7A c.3502C>T variant is predicted to result in the amino acid substitution p.Arg1168Trp. This variant occurs at the penultimate nucleotide of exon 27, although in vitro studies found no effect on splicing (Le Guédard-Méreuze et al. 2010. PubMed ID: 20052763). This variant is reported in 0.0085% of alleles in individuals of African descent in gnomAD. At this time, the clinical significance of this variant is uncertain due to the absence of conclusive functional and genetic evidence.

CeGaT Center for Human Genetics Tuebingen
Classification: Uncertain significance. Last evaluated: 2023-01-01. Review status: criteria provided, single submitter. Criteria: CeGaT Center For Human Genetics Tuebingen Variant Classification Criteria Version 2. Collection method: clinical testing. Allele origin: germline. Affected: yes. Observed: 1 variant allele.
Comment: MYO7A: PP3

Baylor-Hopkins Center for Mendelian Genomics, Johns Hopkins University School of Medicine
Classification: Uncertain significance for Autosomal dominant nonsyndromic hearing loss 11. Review status: criteria provided, single submitter. Criteria: ACMG Guidelines, 2015. Collection method: research. Allele origin: unknown. Affected: yes. Observed: 1 variant allele, 1 heterozygote.

Counsyl
Classification: Uncertain significance for Usher syndrome type 1; Autosomal recessive nonsyndromic hearing loss 2. Last evaluated: 2017-08-23. Review status: no assertion criteria provided. Collection method: clinical testing. Allele origin: unknown. Not counted in ClinVar's aggregate classification.

University of Washington Center for Mendelian Genomics, University of Washington
Classification: Likely pathogenic for non-syndromic autosomal recessive hearing loss. Review status: no assertion criteria provided. Collection method: research. Allele origin: inherited. Affected: yes. Not counted in ClinVar's aggregate classification.

Literature cited by the submitters: PubMed 21436283 (cited by 3 submitters); PubMed 29196752 (cited by Myriad Genetics, Inc. and Natera, Inc.); PubMed 30303587 (cited by 4 submitters); PubMed 33187236 (cited by 3 submitters); PubMed 20052763 (cited by Labcorp Genetics (formerly Invitae), Labcorp and Counsyl); PubMed 21311020 (cited by Counsyl).